The following is an entry in ClinVar:

NC_000005.9:g.(?_176631101)_(176631313_?)dup

Gene: NSD1 (nuclear receptor binding SET domain protein 1; plus strand). Cytogenetic location: 5q35.3.
Variant type: Duplication.
Identifiers: ClinVar variation 1524131 (VCV001524131.5).

ClinVar aggregate classification (germline): Likely pathogenic (1 of 4 stars; one submission).

Conditions:
Sotos syndrome (SOTOS). Also called: CEREBRAL GIGANTISM; Sotos' syndrome; Distinctive facial appearance, overgrowth in childhood, and learning disabilities or delayed development; SOTOS SYNDROME 1; CHROMOSOME 5q35 DELETION SYNDROME. Identifiers: Orphanet 821, MedGen C0175695, MONDO:0019349, OMIM 117550.

Submission:

Labcorp Genetics (formerly Invitae), Labcorp
Classification: Likely pathogenic. Last evaluated: 2021-10-09. Review status: criteria provided, single submitter. Criteria: Invitae Variant Classification Sherloc (09022015). Collection method: clinical testing. Allele origin: germline.
Comment: This variant results in a copy number gain of the genomic region encompassing exon(s) 4 of the NSD1 gene. While the exact position of this variant cannot be determined from the data, sub-genic copy number gains are generally in tandem (PMID: 25640679). This variant is predicted to be out-of-frame, and may result in an absent or disrupted protein product. Loss-of-function variants in NSD1 are known to be pathogenic (PMID: 12464997, 14571271, 15942875, 16247291). A similar copy number variant has been observed in individual(s) with Sotos syndrome (Invitae). In summary, the currently available evidence indicates that the variant is pathogenic, but additional data are needed to prove that conclusively. Therefore, this variant has been classified as Likely Pathogenic.

Literature cited by the submitters: PubMed 25640679; PubMed 12464997; PubMed 14571271; PubMed 15942875; PubMed 16247291.